The following is an entry in ClinVar:

ClinVar aggregate classification (germline): Uncertain significance (1 of 4 stars; one submission).

Conditions:
Meckel syndrome, type 11 (MKS11). Identifiers: Orphanet 564, MedGen C3809352, MONDO:0014164, OMIM 615397.
Joubert syndrome 20 (JBTS20). Identifiers: Orphanet 475, MedGen C3554235, MONDO:0013994, OMIM 614970.

gnomAD v4.1: 3 of 1,391,484 alleles (0.00022%); highest among the groups gnomAD compares: Non-Finnish European, 0.00028%; no homozygotes.

Submission:

Labcorp Genetics (formerly Invitae), Labcorp
Classification: Uncertain significance for Joubert syndrome 20; Meckel syndrome, type 11. Last evaluated: 2022-10-28. Review status: criteria provided, single submitter. Criteria: Invitae Variant Classification Sherloc (09022015). Collection method: clinical testing. Allele origin: germline.
Comment: In summary, the available evidence is currently insufficient to determine the role of this variant in disease. Therefore, it has been classified as a Variant of Uncertain Significance. Algorithms developed to predict the effect of missense changes on protein structure and function are either unavailable or do not agree on the potential impact of this missense change (SIFT: "Deleterious"; PolyPhen-2: "Not Available"; Align-GVGD: "Class C0"). ClinVar contains an entry for this variant (Variation ID: 1521052). This variant has not been reported in the literature in individuals affected with TMEM231-related conditions. This variant is not present in population databases (gnomAD no frequency). This sequence change replaces threonine, which is neutral and polar, with isoleucine, which is neutral and non-polar, at codon 3 of the TMEM231 protein (p.Thr3Ile).

NC_000016.10:g.75556264G>A

Gene: TMEM231 (transmembrane protein 231; minus strand). Cytogenetic location: 16q23.1.
Variant type: single nucleotide variant.
Molecular consequence: missense variant (on NM_001077416.2).
Genome position: GRCh38 VCF-style: chr16-75556264-G-A. GRCh37 (hg19) VCF-style: chr16-75590162-G-A.
Other names: c.8C>T, p.Thr3Ile (NM_001077416.2); short protein forms T3I.
Identifiers: ClinVar variation 1521052 (VCV001521052.9), dbSNP rs2151711350, ClinGen allele CA2573152650.